The following is an entry in ClinVar:

ClinVar aggregate classification (germline): Uncertain significance. Review status: criteria provided, multiple submitters, no conflicts (2 of 4 stars). 4 submissions from 4 submitters: Uncertain significance (4). Last evaluated 2025-10-31.

Conditions:
Hereditary cancer-predisposing syndrome. Also called: Tumor predisposition; Neoplastic Syndromes, Hereditary; Hereditary Cancer Syndrome; Hereditary neoplastic syndrome. Identifiers: Orphanet 140162, MedGen C0027672, MeSH D009386, MONDO:0015356.
Fanconi anemia complementation group J. Also called: BRIP1-Related Fanconi Anemia. Identifiers: Orphanet 84, MedGen C1836860, MONDO:0012187, OMIM 609054.
Familial cancer of breast. Also called: BREAST CANCER, FAMILIAL; hereditary breast carcinoma; Hereditary breast cancer. Identifiers: Orphanet 227535, MedGen C0346153, MONDO:0016419, OMIM 114480. Disease mechanism: loss of function.

Submissions (4):

Ambry Genetics
Classification: Uncertain significance for Hereditary cancer-predisposing syndrome. Last evaluated: 2025-10-31. Review status: criteria provided, single submitter. Criteria: Ambry Variant Classification Scheme 2023. Collection method: clinical testing. Allele origin: germline.
Comment: The p.H1091Y variant (also known as c.3271C>T), located in coding exon 19 of the BRIP1 gene, results from a C to T substitution at nucleotide position 3271. The histidine at codon 1091 is replaced by tyrosine, an amino acid with similar properties. This amino acid position is poorly conserved in available vertebrate species. In addition, this alteration is predicted to be tolerated by in silico analysis. Since supporting evidence is limited at this time, the clinical significance of this alteration remains unclear.

Color Diagnostics, LLC DBA Color Health
Classification: Uncertain significance for Hereditary cancer-predisposing syndrome. Last evaluated: 2023-12-05. Review status: criteria provided, single submitter. Criteria: ACMG Guidelines, 2015. Collection method: clinical testing. Allele origin: germline.
Comment: This missense variant replaces histidine with tyrosine at codon 1091 of the BRIP1 protein. Computational prediction suggests that this variant may not impact protein structure and function (internally defined REVEL score threshold <= 0.5, PMID: 27666373). To our knowledge, functional studies have not been reported for this variant. This variant has not been reported in individuals affected with BRIP1-related disorders in the literature. This variant has not been identified in the general population by the Genome Aggregation Database (gnomAD). The available evidence is insufficient to determine the role of this variant in disease conclusively. Therefore, this variant is classified as a Variant of Uncertain Significance.

Baylor Genetics
Classification: Uncertain significance for Familial cancer of breast. Last evaluated: 2023-06-16. Review status: criteria provided, single submitter. Criteria: ACMG Guidelines, 2015. Collection method: clinical testing. Allele origin: unknown.

Labcorp Genetics (formerly Invitae), Labcorp
Classification: Uncertain significance for Familial cancer of breast; Fanconi anemia complementation group J. Last evaluated: 2022-03-07. Review status: criteria provided, single submitter. Criteria: Invitae Variant Classification Sherloc (09022015). Collection method: clinical testing. Allele origin: germline.
Comment: In summary, the available evidence is currently insufficient to determine the role of this variant in disease. Therefore, it has been classified as a Variant of Uncertain Significance. This variant is not present in population databases (gnomAD no frequency). This sequence change replaces histidine, which is basic and polar, with tyrosine, which is neutral and polar, at codon 1091 of the BRIP1 protein (p.His1091Tyr). This variant has not been reported in the literature in individuals affected with BRIP1-related conditions. ClinVar contains an entry for this variant (Variation ID: 489831). Algorithms developed to predict the effect of missense changes on protein structure and function are either unavailable or do not agree on the potential impact of this missense change (SIFT: "Deleterious"; PolyPhen-2: "Benign"; Align-GVGD: "Class C0").

NM_032043.3(BRIP1):c.3271C>T (p.His1091Tyr)

Gene: BRIP1 (BRCA1 interacting DNA helicase 1; minus strand). Cytogenetic location: 17q23.2.
Variant type: single nucleotide variant.
Coding change: c.3271C>T on transcript NM_032043.3 (MANE Select); coding-DNA position 3271, C replaced by T.
Protein change: p.His1091Tyr; replaces histidine 1091 with tyrosine.
Molecular consequence: missense variant.
Genome position (GRCh38, 1-based): chr17:61,683,775, G>A on the plus strand (C>T on the coding strand, the complement: BRIP1 is on the minus strand). VCF-style: chr17-61683775-G-A. GRCh37 (hg19) VCF-style: chr17-59761136-G-A.
Other names: short protein forms H1091Y.
Identifiers: ClinVar variation 489831 (VCV000489831.19), dbSNP rs1555572732, ClinGen allele CA400479084.